The following is an entry in ClinVar:

NM_002474.3(MYH11):c.4525C>T (p.Leu1509Phe)

Genes: NDE1 (nudE neurodevelopment protein 1; plus strand), MYH11 (myosin heavy chain 11; minus strand). Cytogenetic location: 16p13.11.
Variant type: single nucleotide variant.
Coding change: c.4525C>T on transcript NM_002474.3 (MANE Select); coding-DNA position 4525, C replaced by T.
Protein change: p.Leu1509Phe; replaces leucine 1509 with phenylalanine.
Molecular consequence: missense variant. On other transcripts: intron variant (2).
Genome position (GRCh38, 1-based): chr16:15,721,475, G>A on the plus strand (C>T on the coding strand, the complement: MYH11 is on the minus strand). VCF-style: chr16-15721475-G-A. GRCh37 (hg19) VCF-style: chr16-15815332-G-A.
Other names: c.4546C>T, p.Leu1516Phe (NM_001040113.2, NM_001040114.2); c.4525C>T, p.Leu1509Phe (NM_022844.3); c.948-2716G>A (NM_001143979.2, NM_017668.3); short protein forms L1509F, L1516F.
Identifiers: ClinVar variation 3070448 (VCV003070448.1), dbSNP rs2506126322, ClinGen allele CA394855001.

ClinVar aggregate classification (germline): Uncertain significance (1 of 4 stars; one submission).

Conditions:
Familial thoracic aortic aneurysm and aortic dissection (TAAD). Also called: Thoracic aortic aneurysms and dissections. Identifiers: Orphanet 91387, MedGen C4707243, MONDO:0019625.

gnomAD v4.1: 1 of 1,614,182 alleles (0.000062%); highest among the groups gnomAD compares: Non-Finnish European, 0.000085%; no homozygotes.

Submission:

All of Us Research Program, National Institutes of Health
Classification: Uncertain significance for Familial thoracic aortic aneurysm and aortic dissection. Last evaluated: 2023-04-10. Review status: criteria provided, single submitter. Criteria: ACMG Guidelines, 2015. Collection method: clinical testing. Allele origin: germline. Inheritance: Autosomal dominant inheritance. Observed: 1 variant allele, 1 heterozygote.
Comment: This missense variant replaces leucine with phenylalanine at codon 1516 of the MYH11 protein. Computational prediction is inconclusive regarding the impact of this variant on protein structure and function (internally defined REVEL score threshold 0.5 < inconclusive < 0.7, PMID: 27666373). To our knowledge, functional studies have not been reported for this variant. This variant has not been reported in individuals affected with MYH11-related disorders in the literature. This variant has not been identified in the general population by the Genome Aggregation Database (gnomAD). The available evidence is insufficient to determine the role of this variant in disease conclusively. Therefore, this variant is classified as a Variant of Uncertain Significance.

This study involves interpretation of variants in research participants for the purpose of population health screening. Participant phenotype was not available at the time of variant classification. Additional details can be found in publication PMID: 35346344, PMCID: PMC8962531